The following is an entry in ClinVar:

ClinVar aggregate classification (germline): Uncertain significance (1 of 4 stars; one submission).

Allele frequency attached by ClinVar (database versions not stated): TOPMed below 0.00001; ExAC 0.00001; gnomAD 0.00001; gnomAD exomes 0.00001; 1000 Genomes Project 30x 0.00016; 1000 Genomes Project 0.00020.
gnomAD v4.1: 16 of 1,614,090 alleles (0.00099%); highest among the groups gnomAD compares: East Asian, 0.0022%; no homozygotes.

Submission:

Labcorp Genetics (formerly Invitae), Labcorp
Classification: Uncertain significance. Last evaluated: 2023-05-20. Review status: criteria provided, single submitter. Criteria: Invitae Variant Classification Sherloc (09022015). Collection method: clinical testing. Allele origin: germline.
Comment: This variant has not been reported in the literature in individuals affected with NCSTN-related conditions. In summary, the available evidence is currently insufficient to determine the role of this variant in disease. Therefore, it has been classified as a Variant of Uncertain Significance. Advanced modeling of protein sequence and biophysical properties (such as structural, functional, and spatial information, amino acid conservation, physicochemical variation, residue mobility, and thermodynamic stability) performed at Invitae indicates that this missense variant is not expected to disrupt NCSTN protein function. This variant is present in population databases (rs17854508, gnomAD 0.0009%). This sequence change replaces arginine, which is basic and polar, with histidine, which is basic and polar, at codon 657 of the NCSTN protein (p.Arg657His).

NM_015331.3(NCSTN):c.1970G>A (p.Arg657His)

Gene: NCSTN (nicastrin; plus strand). Cytogenetic location: 1q23.2.
Variant type: single nucleotide variant.
Coding change: c.1970G>A on transcript NM_015331.3 (MANE Select); coding-DNA position 1970, G replaced by A.
Protein change: p.Arg657His; replaces arginine 657 with histidine.
Molecular consequence: missense variant. On other transcripts: intron variant (1).
Genome position (GRCh38, 1-based): chr1:160,357,216, G>A. VCF-style: chr1-160357216-G-A. GRCh37 (hg19) VCF-style: chr1-160327006-G-A.
Other names: c.1910G>A, p.Arg637His (NM_001290184.2); c.1556G>A, p.Arg519His (NM_001290186.2); c.1794+462G>A (NM_001349729.2); short protein forms R657H, R519H, R637H.
Identifiers: ClinVar variation 2887408 (VCV002887408.3), dbSNP rs17854508, ClinGen allele CA1199137.